The following is an entry in ClinVar:

NM_004100.5(EYA4):c.894C>A (p.Asn298Lys)

Gene: EYA4 (EYA transcriptional coactivator and phosphatase 4; plus strand). Cytogenetic location: 6q23.2.
Variant type: single nucleotide variant.
Coding change: c.894C>A on transcript NM_004100.5 (MANE Select); coding-DNA position 894, C replaced by A.
Protein change: p.Asn298Lys; replaces asparagine 298 with lysine.
Molecular consequence: missense variant.
Genome position (GRCh38, 1-based): chr6:133,468,655, C>A. VCF-style: chr6-133468655-C-A. GRCh37 (hg19) VCF-style: chr6-133789793-C-A.
Other names: c.732C>A, p.Asn244Lys (NM_001301012.2, NM_001370459.1); c.894C>A, p.Asn298Lys (NM_001301013.2, NM_172105.4); c.825C>A, p.Asn275Lys (NM_001370458.1, NM_172103.4); short protein forms N298K, N244K, N275K.
Identifiers: ClinVar variation 4745105 (VCV004745105.1).

ClinVar aggregate classification (germline): Uncertain significance (1 of 4 stars; one submission).

Conditions:
Dilated cardiomyopathy 1J (CMD1J). Also called: CARDIOMYOPATHY, DILATED, WITH SENSORINEURAL HEARING LOSS, AUTOSOMAL DOMINANT. Identifiers: Orphanet 217622, MedGen C1854368, MONDO:0011541, OMIM 605362.

Submission:

Labcorp Genetics (formerly Invitae), Labcorp
Classification: Uncertain significance for Dilated cardiomyopathy 1J. Last evaluated: 2025-03-13. Review status: criteria provided, single submitter. Criteria: Invitae Variant Classification Sherloc (09022015). Collection method: clinical testing. Allele origin: germline.
Comment: This sequence change replaces asparagine, which is neutral and polar, with lysine, which is basic and polar, at codon 298 of the EYA4 protein (p.Asn298Lys). This variant is not present in population databases (gnomAD no frequency). This variant has not been reported in the literature in individuals affected with EYA4-related conditions. Invitae Evidence Modeling of protein sequence and biophysical properties (such as structural, functional, and spatial information, amino acid conservation, physicochemical variation, residue mobility, and thermodynamic stability) indicates that this missense variant is not expected to disrupt EYA4 protein function with a negative predictive value of 80%. In summary, the available evidence is currently insufficient to determine the role of this variant in disease. Therefore, it has been classified as a Variant of Uncertain Significance.